The following is an entry in ClinVar:

ClinVar aggregate classification (germline): Pathogenic (1 of 4 stars; one submission).

Conditions:
Hypohidrotic X-linked ectodermal dysplasia (XHED). Also called: Christ-Siemans-Touraine syndrome; ECTODERMAL DYSPLASIA, HYPOHIDROTIC, 1; CST SYNDROME; Ectodermal Dysplasia 1, Anhidrotic; ECTODERMAL DYSPLASIA 1, HYPOHIDROTIC/HAIR/TOOTH TYPE, X-LINKED; Anhidrotic ectodermal dysplasia X-linked. Identifiers: Orphanet 181, Orphanet 238468, MedGen C0162359, MONDO:0010585, OMIM 305100.

Submission:

Laboratory for Molecular Medicine, Mass General Brigham Personalized Medicine
Classification: Pathogenic for Hypohidrotic X-linked ectodermal dysplasia. Last evaluated: 2012-02-06. Review status: criteria provided, single submitter. Criteria: LMM Criteria. Collection method: clinical testing. Allele origin: germline. Inheritance: X-linked inheritance. Observed: 7 variant alleles.
Comment: The deletion of exon 2 of EDA has not been reported in the literature but has be en identified by our laboratory in other individuals with hypohidrotic ectoderma l dysplasia. In addition, single or multiple exon deletions in the EDA gene have been reported in individuals with XLHED, including deletions encompassing exon 2 (Kere 1996, Bayes 1998, Monreal 1998, Paakkonen 2001, Vincent 2001, Lexner 200 8, Li 2008, Gros 2010, Cluzeau 2011). This deletion is expected to lead to a tru ncated or absent protein. In summary, this variant meets our criteria to be clas sified as pathogenic.

Literature cited by the submitters: PubMed 8696334; PubMed 18510547; PubMed 9736768; PubMed 9683615; PubMed 11295832; PubMed 11378824; PubMed 18427821; PubMed 20374512; PubMed 20979233.

NM_001399.4(EDA):c.(?_397-304)_(460_?)del

Gene: EDA (ectodysplasin A; plus strand). Cytogenetic location: Xq13.1.
Variant type: Deletion.
Coding change: c.(?_397-304)_(460_?)del on transcript NM_001399.4; a large deletion whose breakpoints are not mapped to the base.
Identifiers: ClinVar variation 163306 (VCV000163306.4).